The following is an entry in ClinVar:

ClinVar aggregate classification (germline): Likely pathogenic. Review status: criteria provided, multiple submitters, no conflicts (2 of 4 stars). 2 submissions from 2 submitters: Likely pathogenic (2). Last evaluated 2024-03-19.

Conditions:
Hematuria, benign familial, 1 (BFH1). Also called: THIN MEMBRANE NEPHROPATHY. Identifiers: MedGen CN376803, MONDO:0007709, OMIM 141200.
Autosomal recessive Alport syndrome (ATS2). Also called: ALPORT SYNDROME 2, AUTOSOMAL RECESSIVE; Alport syndrome type 2; COL4A3-Related Nephropathy; COL4A4 Alport Syndrome and Thin Basement Membrane Nephropathy. Identifiers: Orphanet 63, Orphanet 88919, MedGen C4746745, MONDO:0008762, OMIM 203780.

Submissions (2):

Fulgent Genetics
Classification: Likely pathogenic for Hematuria, benign familial, 1; Autosomal recessive Alport syndrome. Last evaluated: 2024-03-19. Review status: criteria provided, single submitter. Criteria: ACMG Guidelines, 2015. Collection method: clinical testing. Allele origin: germline.

Labcorp Genetics (formerly Invitae), Labcorp
Classification: Likely pathogenic. Last evaluated: 2023-11-04. Review status: criteria provided, single submitter. Criteria: Invitae Variant Classification Sherloc (09022015). Collection method: clinical testing. Allele origin: germline.
Comment: This sequence change affects a donor splice site in intron 29 of the COL4A4 gene. It is expected to disrupt RNA splicing. Variants that disrupt the donor or acceptor splice site typically lead to a loss of protein function (PMID: 16199547), and loss-of-function variants in COL4A4 are known to be pathogenic (PMID: 21196518, 24854265, 25307543). This variant is not present in population databases (gnomAD no frequency). This variant has not been reported in the literature in individuals affected with COL4A4-related conditions. Algorithms developed to predict the effect of sequence changes on RNA splicing suggest that this variant may disrupt the consensus splice site. In summary, the currently available evidence indicates that the variant is pathogenic, but additional data are needed to prove that conclusively. Therefore, this variant has been classified as Likely Pathogenic.

Literature cited by the submitters: PubMed 16199547 (cited by Labcorp Genetics (formerly Invitae), Labcorp); PubMed 21196518 (cited by Labcorp Genetics (formerly Invitae), Labcorp); PubMed 24854265 (cited by Labcorp Genetics (formerly Invitae), Labcorp); PubMed 25307543 (cited by Labcorp Genetics (formerly Invitae), Labcorp).

NM_000092.5(COL4A4):c.2545+1G>A

Gene: COL4A4 (collagen type IV alpha 4 chain; minus strand). Cytogenetic location: 2q36.3.
Variant type: single nucleotide variant.
Coding change: c.2545+1G>A on transcript NM_000092.5 (MANE Select); the canonical splice donor site of the intron after coding-DNA position 2545, G replaced by A.
Molecular consequence: splice donor variant.
Genome position (GRCh38, 1-based): chr2:227,057,438, C>T on the plus strand (G>A on the coding strand, the complement: COL4A4 is on the minus strand). VCF-style: chr2-227057438-C-T. GRCh37 (hg19) VCF-style: chr2-227922154-C-T.
Identifiers: ClinVar variation 2693347 (VCV002693347.4), dbSNP rs2474160561, ClinGen allele CA350841155.